The following is an entry in ClinVar:

NM_012254.3(SLC27A5):c.1344C>A (p.Cys448Ter)

Gene: SLC27A5 (solute carrier family 27 member 5; minus strand). Cytogenetic location: 19q13.43.
Variant type: single nucleotide variant.
Coding change: c.1344C>A on transcript NM_012254.3 (MANE Select); coding-DNA position 1344, C replaced by A.
Protein change: p.Cys448Ter; replaces cysteine 448 with a stop codon.
Molecular consequence: nonsense.
Genome position (GRCh38, 1-based): chr19:58,500,545, G>T on the plus strand (C>A on the coding strand, the complement: SLC27A5 is on the minus strand). VCF-style: chr19-58500545-G-T. GRCh37 (hg19) VCF-style: chr19-59011912-G-T.
Other names: c.1092C>A, p.Cys364Ter (NM_001321196.2); short protein forms C364*, C448*.
Identifiers: ClinVar variation 3353628 (VCV003353628.1).
Genomic context (GRCh38, chr19:58,500,545, plus strand): 5'-CTGCACACCAGGTACCCGCACACTCACTCGGAGGAGGCAGCTCATCTTGCCCAGGGCCCC[G>T]CAGCGCCCCACATAGTTGACTAAGCCCATGTTGCCTTCTGTGGAGCCGTAGACTTCCCAG-3'

ClinVar aggregate classification (germline): Uncertain significance (0 of 4 stars; one submission).

Conditions:
SLC27A5-related disorder. Also called: SLC27A5-related condition.

gnomAD v4.1: 3 of 1,613,902 alleles (0.00019%); highest among the groups gnomAD compares: African/African-American, 0.004%; no homozygotes.

Submission:

PreventionGenetics, part of Exact Sciences
Classification: Uncertain significance for SLC27A5-related condition. Last evaluated: 2024-05-14. Review status: no assertion criteria provided. Collection method: clinical testing. Allele origin: germline.
Comment: The SLC27A5 c.1344C>A variant is predicted to result in premature protein termination (p.Cys448*). To our knowledge, this variant has not been reported in the literature. This variant is reported in 0.012% of alleles in individuals of African descent in gnomAD. Loss of function has not been established as a mechanism for SLC27A5-related disorders. At this time, the clinical significance of this variant is uncertain due to the absence of conclusive functional and genetic evidence.